The following is an entry in ClinVar:

NM_004360.5(CDH1):c.2123C>T (p.Pro708Leu)

Gene: CDH1 (cadherin 1; plus strand). Cytogenetic location: 16q22.1.
Variant type: single nucleotide variant.
Coding change: c.2123C>T on transcript NM_004360.5 (MANE Select); coding-DNA position 2123, C replaced by T.
Protein change: p.Pro708Leu; replaces proline 708 with leucine.
Molecular consequence: missense variant.
Genome position (GRCh38, 1-based): chr16:68,823,585, C>T. VCF-style: chr16-68823585-C-T. GRCh37 (hg19) VCF-style: chr16-68857488-C-T.
Other names: c.1940C>T, p.Pro647Leu (NM_001317184.2); c.575C>T, p.Pro192Leu (NM_001317185.2); c.158C>T, p.Pro53Leu (NM_001317186.2); short protein forms P192L, P53L, P647L, P708L.
Identifiers: ClinVar variation 2088424 (VCV002088424.4), dbSNP rs2152139603, ClinGen allele CA396467895.

ClinVar aggregate classification (germline): Uncertain significance (1 of 4 stars; one submission).

Conditions:
Hereditary diffuse gastric adenocarcinoma (HDGC). Also called: DIFFUSE GASTRIC AND LOBULAR BREAST CANCER SYNDROME. Identifiers: Orphanet 26106, MedGen C1708349, MONDO:0007648, OMIM 137215.

Submission:

Labcorp Genetics (formerly Invitae), Labcorp
Classification: Uncertain significance for Hereditary diffuse gastric adenocarcinoma. Last evaluated: 2022-01-20. Review status: criteria provided, single submitter. Criteria: Invitae Variant Classification Sherloc (09022015). Collection method: clinical testing. Allele origin: germline.
Comment: This sequence change replaces proline, which is neutral and non-polar, with leucine, which is neutral and non-polar, at codon 708 of the CDH1 protein (p.Pro708Leu). This variant is not present in population databases (gnomAD no frequency). This variant has not been reported in the literature in individuals affected with CDH1-related conditions. Algorithms developed to predict the effect of missense changes on protein structure and function are either unavailable or do not agree on the potential impact of this missense change (SIFT: "Tolerated"; PolyPhen-2: "Possibly Damaging"; Align-GVGD: "Class C0"). In summary, the available evidence is currently insufficient to determine the role of this variant in disease. Therefore, it has been classified as a Variant of Uncertain Significance.